The following is an entry in ClinVar:

NM_201384.3(PLEC):c.9874G>A (p.Val3292Met)

Gene: PLEC (plectin; minus strand). Cytogenetic location: 8q24.3.
Variant type: single nucleotide variant.
Coding change: c.9874G>A on transcript NM_201384.3 (MANE Select); coding-DNA position 9874, G replaced by A.
Protein change: p.Val3292Met; replaces valine 3292 with methionine.
Molecular consequence: missense variant.
Genome position (GRCh38, 1-based): chr8:143,919,947, C>T on the plus strand (G>A on the coding strand, the complement: PLEC is on the minus strand). VCF-style: chr8-143919947-C-T. GRCh37 (hg19) VCF-style: chr8-144994115-C-T.
Other names: c.9955G>A (NM_000445.3); c.9955G>A, p.Val3319Met (NM_000445.5); c.9832G>A, p.Val3278Met (NM_201378.4); c.9808G>A, p.Val3270Met (NM_201379.3); c.10285G>A, p.Val3429Met (NM_201380.4); c.9778G>A, p.Val3260Met (NM_201381.3); c.9874G>A, p.Val3292Met (NM_201382.4); c.9886G>A, p.Val3296Met (NM_201383.3); short protein forms V3260M, V3278M, V3429M, V3270M, V3292M, V3319M, V3296M.
Identifiers: ClinVar variation 471680 (VCV000471680.13), dbSNP rs782650325, ClinGen allele CA4924824.

ClinVar aggregate classification (germline): Uncertain significance. Review status: criteria provided, multiple submitters, no conflicts (2 of 4 stars). 2 submissions from 2 submitters: Uncertain significance (2). Last evaluated 2025-06-06.

Conditions:
Inborn genetic diseases. Identifiers: MedGen C0950123, MeSH D030342.
Epidermolysis bullosa simplex with nail dystrophy (EBS5D). Identifiers: MedGen C4225309, MONDO:0014661, OMIM 616487.
Epidermolysis bullosa simplex, Ogna type (EBS5A). Also called: Pidermolysis bullosa simplex 5A, Ogna type; EPIDERMOLYSIS BULLOSA SIMPLEX 5A, OGNA TYPE. Identifiers: Orphanet 79401, MedGen C0432317, MONDO:0007555, OMIM 131950.
Autosomal recessive limb-girdle muscular dystrophy type 2Q (LGMDR17). Also called: MUSCULAR DYSTROPHY, LIMB-GIRDLE, AUTOSOMAL RECESSIVE 17. Identifiers: Orphanet 254361, MedGen C3150989, MONDO:0013390, OMIM 613723.
Epidermolysis bullosa simplex 5C, with pyloric atresia (EBS5C). Also called: PLEC-Related Epidermolysis Bullosa with Pyloric Atresia; Epidermolysis bullosa simplex with pyloric atresia; PLEC1-Related Epidermolysis Bullosa with Pyloric Atresia. Identifiers: Orphanet 158684, MedGen C2677349, MONDO:0012807, OMIM 612138.
Epidermolysis bullosa simplex 5B, with muscular dystrophy (EBS5B). Also called: EPIDERMOLYSIS BULLOSA SIMPLEX AND LIMB-GIRDLE MUSCULAR DYSTROPHY; Epidermolysis bullosa simplex with muscular dystrophy. Identifiers: Orphanet 257, MedGen C2931072, MONDO:0009181, OMIM 226670.

Allele frequency attached by ClinVar (database versions not stated): ExAC 0.00001; gnomAD exomes 0.00001 and 0.00003; TOPMed 0.00002; gnomAD 0.00003.
gnomAD v4.1: 21 of 1,613,296 alleles (0.0013%); highest among the groups gnomAD compares: Admixed American, 0.005%; no homozygotes.

Submissions (2):

Ambry Genetics
Classification: Uncertain significance for Inborn genetic diseases. Last evaluated: 2025-06-06. Review status: criteria provided, single submitter. Criteria: Ambry Variant Classification Scheme 2023. Collection method: clinical testing. Allele origin: germline.

Labcorp Genetics (formerly Invitae), Labcorp
Classification: Uncertain significance for Autosomal recessive limb-girdle muscular dystrophy type 2Q; Epidermolysis bullosa simplex, Ogna type; Epidermolysis bullosa simplex with nail dystrophy; Epidermolysis bullosa simplex 5C, with pyloric atresia; Epidermolysis bullosa simplex 5B, with muscular dystrophy. Last evaluated: 2025-02-25. Review status: criteria provided, single submitter. Criteria: Invitae Variant Classification Sherloc (09022015). Collection method: clinical testing. Allele origin: germline.
Comment: This sequence change replaces valine, which is neutral and non-polar, with methionine, which is neutral and non-polar, at codon 3319 of the PLEC protein (p.Val3319Met). The frequency data for this variant in the population databases is considered unreliable, as metrics indicate poor data quality at this position in the gnomAD database. This variant has not been reported in the literature in individuals affected with PLEC-related conditions. ClinVar contains an entry for this variant (Variation ID: 471680). An algorithm developed to predict the effect of missense changes on protein structure and function (PolyPhen-2) suggests that this variant is likely to be disruptive. In summary, the available evidence is currently insufficient to determine the role of this variant in disease. Therefore, it has been classified as a Variant of Uncertain Significance.